The following is an entry in ClinVar:

NM_007194.4(CHEK2):c.499G>A (p.Gly167Arg)

Gene: CHEK2 (checkpoint kinase 2; minus strand). Cytogenetic location: 22q12.1.
Variant type: single nucleotide variant.
Coding change: c.499G>A on transcript NM_007194.4 (MANE Select); coding-DNA position 499, G replaced by A.
Protein change: p.Gly167Arg; replaces glycine 167 with arginine.
Molecular consequence: missense variant. On other transcripts: 5 prime UTR variant (2), intron variant (1).
Genome position (GRCh38, 1-based): chr22:28,725,070, C>T on the plus strand (G>A on the coding strand, the complement: CHEK2 is on the minus strand). VCF-style: chr22-28725070-C-T. GRCh37 (hg19) VCF-style: chr22-29121058-C-T.
Other names: p.G167R:GGA>AGA; c.628G>A, p.Gly210Arg (NM_001005735.3, NM_001438294.1); c.-279G>A (NM_001257387.3); c.-165G>A (NM_001437942.1, XM_011529845.3); c.592G>A, p.Gly198Arg (NM_001438293.1, NM_001438295.1); c.499G>A, p.Gly167Arg (NM_145862.3); c.445-147G>A (NM_001349956.3); short protein forms G167R, G210R, G198R.
Identifiers: ClinVar variation 142524 (VCV000142524.101), dbSNP rs72552322, ClinGen allele CA294427.

ClinVar aggregate classification (germline): Pathogenic/Likely pathogenic. Review status: criteria provided, multiple submitters, no conflicts (2 of 4 stars). 30 submissions from 29 submitters: Pathogenic (4); Likely pathogenic (23). 3 of the submissions do not count toward it. Last evaluated 2026-09-01.

Conditions:
Bone osteosarcoma. Also called: Osteosarcoma, somatic. Identifiers: Orphanet 668, MedGen C0585442, MONDO:0002629, OMIM 259500.
Familial prostate cancer. Also called: Hereditary Prostate Cancer. Identifiers: MedGen C2931456, MONDO:0700275, OMIM 176807.
CHEK2-related cancer predisposition (TPDS4). Also called: CHEK2-related cancer susceptibility; TUMOR PREDISPOSITION SYNDROME 4; CANCER PREDISPOSITION SYNDROME, CHEK2-RELATED. Identifiers: Orphanet 524, MedGen C5882668, MONDO:0700271, OMIM 609265.
Predisposition to cancer.
Hereditary nonpolyposis colon cancer (HNPCC). Also called: Hereditary nonpolyposis colorectal cancer; Familial nonpolyposis colon cancer; Hereditary Nonpolyposis Colorectal Cancer Syndrome. Identifiers: Orphanet 443909, MedGen C1333990, MONDO:0018630. Disease mechanism: loss of function.
CHEK2-related disorder.
Hereditary cancer-predisposing syndrome. Also called: Hereditary neoplastic syndrome; Neoplastic Syndromes, Hereditary; Tumor predisposition; Hereditary Cancer Syndrome. Identifiers: Orphanet 140162, MedGen C0027672, MeSH D009386, MONDO:0015356.
Hereditary breast ovarian cancer syndrome. Also called: BRCA1- and BRCA2-Associated Hereditary Breast and Ovarian Cancer; Hereditary breast and ovarian cancer syndrome; Hereditary breast and/or ovarian cancer syndrome; Hereditary breast and ovarian cancer; Hereditary breast and ovarian cancer syndrome (HBOC); Breast and ovarian cancer. Identifiers: Orphanet 145, MedGen C0677776, MeSH D061325, MONDO:0003582. Disease mechanism: loss of function.
Breast and colorectal cancer, susceptibility to. Also called: HBCC, susceptibility to. Identifiers: MedGen CN068920.
Familial cancer of breast. Also called: hereditary breast carcinoma; BREAST CANCER, FAMILIAL; Hereditary breast cancer. Identifiers: Orphanet 227535, MedGen C0346153, MONDO:0016419, OMIM 114480. Disease mechanism: loss of function.
Malignant tumor of breast. Also called: Malignant breast neoplasm; Cancer breast. Identifiers: MedGen C0006142, MONDO:0007254. Disease mechanism: loss of function.
Breast carcinoma. Also called: Carcinoma of breast. Identifiers: MedGen C0678222, MONDO:0004989, HP:0003002.

Allele frequency attached by ClinVar (database versions not stated): gnomAD 0.00001; TOPMed 0.00001; gnomAD exomes 0.00002 and 0.00003; ExAC 0.00004; ESP Exome Variant Server 0.00008.
gnomAD v4.1: 48 of 1,614,058 alleles (0.003%); highest among the groups gnomAD compares: Middle Eastern, 0.099%; no homozygotes.

Submissions 1 to 5 of 30:

CeGaT Center for Human Genetics Tuebingen
Classification: Likely pathogenic. Last evaluated: 2026-09-01. Review status: criteria provided, single submitter. Criteria: CeGaT Center For Human Genetics Tuebingen Variant Classification Criteria Version 2. Collection method: clinical testing. Allele origin: germline. Affected: yes. Observed: 6 variant alleles.
Comment: CHEK2: PS3:Moderate, PS4:Moderate, PM2:Supporting, PP3

Hema, HEMA – Genetic and Molecular Diagnostic Laboratory
Classification: Likely pathogenic for CHEK2-related cancer predisposition. Last evaluated: 2026-08-18. Review status: criteria provided, single submitter. Criteria: HEMA Variant Classification Assertion Criteria. Collection method: clinical testing. Allele origin: germline.
Comment: The c.499G>A p.(Gly167Arg) variant is a transition from cytosine to thymine, resulting in the substitution of glycine 167 with arginine in the CHEK2 protein. PS4: A statistically significant association has been reported between the variant and breast cancer, with an OR of 4.45 (95% CI: 1.24-15.95) and an OR of 5.01 (95% CI: 1.47-17.1) (PMID: 33471991, 37449874). PP3_Strong: The computational metapredictor REVEL score is 0.955 (≥ 0.932), indicating that the variant would affect the function of the CHEK2 protein. PS3_Supporting: A functional study has demonstrated the deleterious effect of the variant on protein function (PMID: 37449874).

Labcorp Genetics (formerly Invitae), Labcorp
Classification: Likely pathogenic for Familial cancer of breast. Last evaluated: 2026-01-28. Review status: criteria provided, single submitter. Criteria: Invitae Variant Classification Sherloc (09022015). Collection method: clinical testing. Allele origin: germline.
Comment: This sequence change replaces glycine, which is neutral and non-polar, with arginine, which is basic and polar, at codon 167 of the CHEK2 protein (p.Gly167Arg). This variant is present in population databases (rs72552322, gnomAD 0.006%). This missense change has been observed in individual(s) with breast cancer, ovarian cancer, and/or prostate cancer (PMID: 12533788, 15095295, 22419737, 25452411, 25503501, 26976419, 27616075, 28888541, 30322717, 30980208, 31300551, 32805687, 32923877, 35220195, 35418818; internal data). It has also been observed to segregate with disease in related individuals. This variant is also known as c.628G>A, p.Gly210Arg. ClinVar contains an entry for this variant (Variation ID: 142524). An algorithm developed to predict the effect of missense changes on protein structure and function (PolyPhen-2) suggests that this variant is likely to be disruptive. Experimental studies have shown that this missense change affects CHEK2 function (PMID: 22419737, 34903604, 36468172). In summary, the currently available evidence indicates that the variant is pathogenic, but additional data are needed to prove that conclusively. Therefore, this variant has been classified as Likely Pathogenic.

Quest Diagnostics Nichols Institute San Juan Capistrano
Classification: Pathogenic. Last evaluated: 2025-10-28. Review status: criteria provided, single submitter. Criteria: Quest Diagnostics criteria. Collection method: clinical testing. Allele origin: unknown.
Comment: The CHEK2 c.499G>A (p.Gly167Arg) variant has been reported in the published literature in many individuals affected with breast cancer and shows enrichment in patient cohorts compared to reportedly unaffected individuals among the general population (PMIDs: 38091153 (2024), 38136276 (2023), 37449874 (2023), 34903604 (2021), 32658311 (2021), 31300551 (2020), 30851065 (2019), 29335925 (2018), 28486781 (2017), 28281021 (2017), 27616075 (2016), 27153395 (2016), 26976419 (2016), 25503501 (2015), 15095295 (2004)). Individuals affected with prostate cancer have also been reported (PMID: 29520813 (2018), 12533788 (2003)). This variant has also been observed in a homozygous state (PMIDs: 38091153 (2024), 29406849 (2018)) and with other deleterious variants (PMID: 39684258 (2024), 38929805 (2024), 32906215 (2020), 30858171 (2020), 28281021 (2017)), consistent with a more severe presentation in bi-allelic CHEK2 variant carriers than in heterozygotes. Functional studies have shown that the variant lacked CHEK2-mediated DNA damage repair response in yeast (PMIDs: 30851065 (2019), 22419737 (2012)), as well as reduced protein expression and impaired phosphorylation activity in mammalian cells (PMIDs: 34903604 (2021), 37449874 (2024)). The frequency of this variant in the general population (Genome Aggregation Database) is consistent with pathogenicity. Based on the available information, this variant is classified as pathogenic.

GeneDx
Classification: Likely pathogenic. Last evaluated: 2025-10-07. Review status: criteria provided, single submitter. Criteria: GeneDx Variant Classification Process June 2021. Collection method: clinical testing. Allele origin: germline. Affected: yes.
Comment: In silico analysis supports that this missense variant has a deleterious effect on protein structure/function; Not observed at significant frequency in large population cohorts (gnomAD); Also known as c.628G>A, p.(G210R); This variant is associated with the following publications: (PMID: 25525159, 27616075, 29520813, 30322717, 32805687, 22419737, 12533788, 27153395, 27751358, 26976419, 26681312, 15095295, 26845104, 25503501, 25428789, 28281021, 28301460, 28553140, 29335925, 28486781, 12049740, 29406849, 25186627, 29922827, 29522266, 30980208, 30851065, 30858171, 31159747, 31300551, 31296309, 31368036, 31398194, 32322110, 31220302, 19782031, 32658311, 32906215, 34426522, 33925588, 33558524, 34433815, 34903604, 33999380, 32900738, 25452411, 36119527, 35772246, 36061833, 36468172, 28888541, 35734982, 35418818, 36315097, 35127508, 34308104, 35220195, 32923877, 33471991, 30580288, 35892882, 34326862, 35988656, 36495689, 38630906, 39150540, 38091153, 38415346, 37065479, 38929805, 39624521, 40800071, 39594831, 38136276, 38397209, 37449874, 39642869, 39146382, 38959470, 38061684)